The following is an entry in ClinVar:

ClinVar aggregate classification (germline): Benign/Likely benign. Review status: criteria provided, multiple submitters, no conflicts (2 of 4 stars). 3 submissions from 3 submitters: Benign (1); Likely benign (2). Last evaluated 2025-06-05.

Conditions:
Hereditary cancer-predisposing syndrome. Also called: Neoplastic Syndromes, Hereditary; Tumor predisposition; Hereditary Cancer Syndrome; Hereditary neoplastic syndrome. Identifiers: Orphanet 140162, MedGen C0027672, MeSH D009386, MONDO:0015356.
Tuberous sclerosis 2 (TSC2). Identifiers: Orphanet 805, MedGen C1860707, MONDO:0013199, OMIM 613254.

Submissions (3):

Myriad Genetics, Inc.
Classification: Benign for Tuberous sclerosis 2. Last evaluated: 2025-06-05. Review status: criteria provided, single submitter. Criteria: Myriad Autosomal Dominant, Autosomal Recessive and X-Linked Classification Criteria (2023). Collection method: clinical testing. Allele origin: unknown.
Comment: This variant is considered benign. This variant is a silent/synonymous amino acid change and it is not expected to impact splicing.

Labcorp Genetics (formerly Invitae), Labcorp
Classification: Likely benign for Tuberous sclerosis 2. Last evaluated: 2025-05-17. Review status: criteria provided, single submitter. Criteria: Invitae Variant Classification Sherloc (09022015). Collection method: clinical testing. Allele origin: germline.

Ambry Genetics
Classification: Likely benign for Hereditary cancer-predisposing syndrome. Last evaluated: 2020-10-21. Review status: criteria provided, single submitter. Criteria: Ambry Variant Classification Scheme 2023. Collection method: clinical testing. Allele origin: germline.

NM_000548.5(TSC2):c.4812C>T (p.Gly1604=)

Gene: TSC2 (TSC complex subunit 2; plus strand). Cytogenetic location: 16p13.3.
Variant type: single nucleotide variant.
Coding change: c.4812C>T on transcript NM_000548.5 (MANE Select); coding-DNA position 4812, C replaced by T.
Protein change: p.Gly1604=; no amino-acid change (glycine 1604 retained).
Molecular consequence: synonymous variant. On other transcripts: non-coding transcript variant (5).
Genome position (GRCh38, 1-based): chr16:2,086,342, C>T. VCF-style: chr16-2086342-C-T. GRCh37 (hg19) VCF-style: chr16-2136343-C-T.
Other names: c.4467C>T, p.Gly1489= (NM_001318829.2); c.4080C>T, p.Gly1360= (NM_001318831.2); c.4644C>T, p.Gly1548= (NM_001318832.2); c.4614C>T, p.Gly1538= (NM_001363528.2); c.4680C>T, p.Gly1560= (NM_001370404.1); c.4683C>T, p.Gly1561= (NM_001370405.1, NM_021055.3); c.4809C>T, p.Gly1603= (NM_001406663.1); c.4740C>T, p.Gly1580= (NM_001406664.1); and 26 more.
Identifiers: ClinVar variation 1743294 (VCV001743294.4), dbSNP rs397515103, ClinGen allele CA493043583.